The following is an entry in ClinVar:

NM_001395413.1(POR):c.484G>T (p.Asp162Tyr)

Gene: POR (cytochrome p450 oxidoreductase; plus strand). Cytogenetic location: 7q11.23.
Variant type: single nucleotide variant.
Coding change: c.484G>T on transcript NM_001395413.1 (MANE Select); coding-DNA position 484, G replaced by T.
Protein change: p.Asp162Tyr; replaces aspartic acid 162 with tyrosine.
Molecular consequence: missense variant.
Genome position (GRCh38, 1-based): chr7:75,980,465, G>T. VCF-style: chr7-75980465-G-T. GRCh37 (hg19) VCF-style: chr7-75609783-G-T.
Other names: c.484G>T, p.Asp162Tyr (NM_001367562.3, NM_001382657.2, NM_001382658.3 and 2 more transcripts); c.538G>T, p.Asp180Tyr (NM_001382655.3); short protein forms D162Y, D180Y.
Identifiers: ClinVar variation 1520615 (VCV001520615.3), dbSNP rs1003447223, ClinGen allele CA160902876.

ClinVar aggregate classification (germline): Uncertain significance (1 of 4 stars; one submission).

Conditions:
Congenital adrenal hyperplasia due to cytochrome P450 oxidoreductase deficiency. Also called: DISORDERED STEROIDOGENESIS DUE TO POR DEFICIENCY. Identifiers: Orphanet 95699, MedGen C1860042, MONDO:0013310, OMIM 613571.

Allele frequency attached by ClinVar (database versions not stated): TOPMed below 0.00001; gnomAD 0.00001; gnomAD exomes 0.00001.
gnomAD v4.1: 14 of 1,612,928 alleles (0.00087%); highest among the groups gnomAD compares: Admixed American, 0.0017%; no homozygotes.

Submission:

Labcorp Genetics (formerly Invitae), Labcorp
Classification: Uncertain significance for Congenital adrenal hyperplasia due to cytochrome P450 oxidoreductase deficiency. Last evaluated: 2022-10-17. Review status: criteria provided, single submitter. Criteria: Invitae Variant Classification Sherloc (09022015). Collection method: clinical testing. Allele origin: germline.
Comment: This sequence change replaces aspartic acid, which is acidic and polar, with tyrosine, which is neutral and polar, at codon 165 of the POR protein (p.Asp165Tyr). This variant is present in population databases (no rsID available, gnomAD 0.002%). This variant has not been reported in the literature in individuals affected with POR-related conditions. ClinVar contains an entry for this variant (Variation ID: 1520615). Advanced modeling of protein sequence and biophysical properties (such as structural, functional, and spatial information, amino acid conservation, physicochemical variation, residue mobility, and thermodynamic stability) has been performed at Invitae for this missense variant, however the output from this modeling did not meet the statistical confidence thresholds required to predict the impact of this variant on POR protein function. In summary, the available evidence is currently insufficient to determine the role of this variant in disease. Therefore, it has been classified as a Variant of Uncertain Significance.